The following is an entry in ClinVar:

ClinVar aggregate classification (germline): Uncertain significance (1 of 4 stars; one submission).

Conditions:
Hereditary cancer-predisposing syndrome. Also called: Neoplastic Syndromes, Hereditary; Tumor predisposition; Hereditary Cancer Syndrome; Hereditary neoplastic syndrome. Identifiers: Orphanet 140162, MedGen C0027672, MeSH D009386, MONDO:0015356.

Submission:

Ambry Genetics
Classification: Uncertain significance for Hereditary cancer-predisposing syndrome. Last evaluated: 2025-08-23. Review status: criteria provided, single submitter. Criteria: Ambry Variant Classification Scheme 2023. Collection method: clinical testing. Allele origin: germline.
Comment: The p.E1158V variant (also known as c.3473A>T), located in coding exon 9 of the BRCA1 gene, results from an A to T substitution at nucleotide position 3473. The glutamic acid at codon 1158 is replaced by valine, an amino acid with dissimilar properties. This amino acid position is conserved. In addition, the in silico prediction for this alteration is inconclusive. Based on the available evidence, the clinical significance of this variant remains unclear.

NM_007294.4(BRCA1):c.3473A>T (p.Glu1158Val)

Genes: BRCA1 (BRCA1 DNA repair associated; minus strand), LOC126862571 (BRD4-independent group 4 enhancer GRCh37_chr17:41243136-41244335; plus strand). Cytogenetic location: 17q21.31.
Variant type: single nucleotide variant.
Coding change: c.3473A>T on transcript NM_007294.4 (MANE Select); coding-DNA position 3473, A replaced by T.
Protein change: p.Glu1158Val; replaces glutamic acid 1158 with valine.
Molecular consequence: missense variant. On other transcripts: intron variant (135).
Genome position (GRCh38, 1-based): chr17:43,092,058, T>A on the plus strand (A>T on the coding strand, the complement: BRCA1 is on the minus strand). VCF-style: chr17-43092058-T-A. GRCh37 (hg19) VCF-style: chr17-41244075-T-A.
Other names: c.3260A>T, p.Glu1087Val (NM_001407918.1, NM_001407853.1, NM_001407894.1 and 9 more transcripts); c.3350A>T, p.Glu1117Val (NM_001407919.1, NM_001407648.1, NM_001407664.1 and 19 more transcripts); c.3209A>T, p.Glu1070Val (NM_001407920.1, NM_001407921.1, NM_001407922.1 and 9 more transcripts); c.3206A>T, p.Glu1069Val (NM_001407930.1, NM_001407931.1, NM_001407932.1 and 2 more transcripts); c.3473A>T, p.Glu1158Val (NM_001407639.1, NM_001407640.1, NM_001407641.1 and 30 more transcripts); c.3470A>T, p.Glu1157Val (NM_001407644.1, NM_001407645.1, NM_001407860.1 and 22 more transcripts); c.3464A>T, p.Glu1155Val (NM_001407646.1, NM_001407647.1); c.3347A>T, p.Glu1116Val (NM_001407649.1, NM_001407670.1, NM_001407671.1 and 11 more transcripts); and 41 more; short protein forms E1030V, E1046V, E1070V, E1090V, E1155V, E1158V, E290V, E1047V.
Identifiers: ClinVar variation 4215121 (VCV004215121.1).
Genomic context (GRCh38, chr17:43,092,058, plus strand): 5'-CTAAAAACAGCAGAACTTTCCTTAATGTCATTTTCAGCAAAACTAGTATCTTCCTTTATT[T>A]CACCATCATCTAACAGGTCATCAGGTGTCTCAGAACAAACCTGAGATGCATGACTACTTC-3'
Protein context (NP_009225.1, residues 1148-1168): ETPDDLLDDG[Glu1158Val]IKEDTSFAEN